The following is an entry in ClinVar:

ClinVar aggregate classification (germline): Uncertain significance (1 of 4 stars; one submission).

Conditions:
Hereditary cancer-predisposing syndrome. Also called: Neoplastic Syndromes, Hereditary; Tumor predisposition; Hereditary Cancer Syndrome; Hereditary neoplastic syndrome. Identifiers: Orphanet 140162, MedGen C0027672, MeSH D009386, MONDO:0015356.

Submission:

Ambry Genetics
Classification: Uncertain significance for Hereditary cancer-predisposing syndrome. Last evaluated: 2025-11-05. Review status: criteria provided, single submitter. Criteria: Ambry Variant Classification Scheme 2023. Collection method: clinical testing. Allele origin: germline.
Comment: The p.D407G variant (also known as c.1220A>G), located in coding exon 8 of the MSH3 gene, results from an A to G substitution at nucleotide position 1220. The aspartic acid at codon 407 is replaced by glycine, an amino acid with similar properties. This amino acid position is highly conserved in available vertebrate species. In addition, this alteration is predicted to be deleterious by in silico analysis. Based on the available evidence, the clinical significance of this variant remains unclear.

NM_002439.5(MSH3):c.1220A>G (p.Asp407Gly)

Gene: MSH3 (mutS homolog 3; plus strand). Cytogenetic location: 5q14.1.
Variant type: single nucleotide variant.
Coding change: c.1220A>G on transcript NM_002439.5 (MANE Select); coding-DNA position 1220, A replaced by G.
Protein change: p.Asp407Gly; replaces aspartic acid 407 with glycine.
Molecular consequence: missense variant.
Genome position (GRCh38, 1-based): chr5:80,678,973, A>G. VCF-style: chr5-80678973-A-G. GRCh37 (hg19) VCF-style: chr5-79974792-A-G.
Other names: short protein forms D407G.
Identifiers: ClinVar variation 4654724 (VCV004654724.1).